The following is an entry in ClinVar:

NM_003072.5(SMARCA4):c.3105G>C (p.Leu1035=)

Gene: SMARCA4 (SWI/SNF related BAF chromatin remodeling complex subunit ATPase 4; plus strand). Cytogenetic location: 19p13.2.
Variant type: single nucleotide variant.
Coding change: c.3105G>C on transcript NM_003072.5 (MANE Select); coding-DNA position 3105, G replaced by C.
Protein change: p.Leu1035=; no amino-acid change (leucine 1035 retained).
Molecular consequence: synonymous variant. On other transcripts: non-coding transcript variant (1).
Genome position (GRCh38, 1-based): chr19:11,025,445, G>C. VCF-style: chr19-11025445-G-C. GRCh37 (hg19) VCF-style: chr19-11136121-G-C.
Other names: c.3105G>C, p.Leu1035= (NM_001128844.3, NM_001128845.2, NM_001128846.2 and 5 more transcripts).
Identifiers: ClinVar variation 238423 (VCV000238423.19), dbSNP rs748551966, ClinGen allele CA9204324.

ClinVar aggregate classification (germline): Benign/Likely benign. Review status: criteria provided, multiple submitters, no conflicts (2 of 4 stars). 5 submissions from 5 submitters: Benign (1); Likely benign (4). Last evaluated 2026-07-14.

Conditions:
SMARCA4-related disorder. Also called: SMARCA4-related condition.
Hereditary cancer-predisposing syndrome. Also called: Hereditary Cancer Syndrome; Tumor predisposition; Hereditary neoplastic syndrome; Neoplastic Syndromes, Hereditary. Identifiers: Orphanet 140162, MedGen C0027672, MeSH D009386, MONDO:0015356.
Rhabdoid tumor predisposition syndrome 2 (RTPS2). Identifiers: Orphanet 231108, Orphanet 69077, MedGen C2750074, MONDO:0013224, OMIM 613325.

Allele frequency attached by ClinVar (database versions not stated): gnomAD 0.00003; ExAC 0.00001; gnomAD exomes 0.00001 and 0.00003; TOPMed 0.00001.
gnomAD v4.1: 43 of 1,613,190 alleles (0.0027%); highest among the groups gnomAD compares: Non-Finnish European, 0.0036%; no homozygotes.

Submissions (5):

Myriad Genetics, Inc.
Classification: Benign for Rhabdoid tumor predisposition syndrome 2. Last evaluated: 2026-07-14. Review status: criteria provided, single submitter. Criteria: Myriad Autosomal Dominant, Autosomal Recessive and X-Linked Classification Criteria (2023). Collection method: clinical testing. Allele origin: unknown.
Comment: This variant is considered benign. This variant is a silent/synonymous amino acid change and it is not expected to impact splicing.

Labcorp Genetics (formerly Invitae), Labcorp
Classification: Likely benign for Rhabdoid tumor predisposition syndrome 2. Last evaluated: 2026-01-21. Review status: criteria provided, single submitter. Criteria: Invitae Variant Classification Sherloc (09022015). Collection method: clinical testing. Allele origin: germline.

PreventionGenetics, part of Exact Sciences
Classification: Likely benign for SMARCA4-related condition. Last evaluated: 2025-10-10. Review status: criteria provided, single submitter. Criteria: ACMG Guidelines, 2015. Collection method: clinical testing. Allele origin: germline.
Comment: This variant is classified as likely benign based on ACMG/AMP sequence variant interpretation guidelines (Richards et al. 2015 PMID: 25741868, with internal and published modifications).

Sema4
Classification: Likely benign for Hereditary cancer-predisposing syndrome. Last evaluated: 2021-12-01. Review status: criteria provided, single submitter. Criteria: Sema4 Curation Guidelines. Collection method: curation. Allele origin: germline.

Ambry Genetics
Classification: Likely benign for Hereditary cancer-predisposing syndrome. Last evaluated: 2015-12-11. Review status: criteria provided, single submitter. Criteria: Ambry Variant Classification Scheme 2023. Collection method: clinical testing. Allele origin: germline.